The following is an entry in ClinVar:

NM_003630.3(PEX3):c.529A>G (p.Thr177Ala)

Gene: PEX3 (peroxisomal biogenesis factor 3; plus strand). Cytogenetic location: 6q24.2.
Variant type: single nucleotide variant.
Coding change: c.529A>G on transcript NM_003630.3 (MANE Select); coding-DNA position 529, A replaced by G.
Protein change: p.Thr177Ala; replaces threonine 177 with alanine.
Molecular consequence: missense variant.
Genome position (GRCh38, 1-based): chr6:143,471,562, A>G. VCF-style: chr6-143471562-A-G. GRCh37 (hg19) VCF-style: chr6-143792699-A-G.
Other names: short protein forms T177A.
Identifiers: ClinVar variation 1448573 (VCV001448573.5), dbSNP rs767297580, ClinGen allele CA4029617.
Genomic context (GRCh38, chr6:143,471,562, plus strand): 5'-TATTGAGGAATTTTTAAACTAAGCAAGGCTTTTAGGTTTGTTTTTTCTTTAATAGGCCTG[A>G]CAGAATTGATCACTGTCATTAAACAAGCTGTGCAGAAGGTTTTAGGAAGGTAAGGCATTT-3'
Protein context (NP_003621.1, residues 167-187): SIQHLLGDGL[Thr177Ala]ELITVIKQAV

ClinVar aggregate classification (germline): Uncertain significance (1 of 4 stars; one submission).

Allele frequency attached by ClinVar (database versions not stated): ExAC 0.00001; gnomAD exomes 0.00001 and 0.00002; TOPMed 0.00002.
gnomAD v4.1: 9 of 1,612,040 alleles (0.00056%); highest among the groups gnomAD compares: Non-Finnish European, 0.00068%; no homozygotes.

Submission:

Labcorp Genetics (formerly Invitae), Labcorp
Classification: Uncertain significance. Last evaluated: 2022-08-16. Review status: criteria provided, single submitter. Criteria: Invitae Variant Classification Sherloc (09022015). Collection method: clinical testing. Allele origin: germline.
Comment: This sequence change replaces threonine, which is neutral and polar, with alanine, which is neutral and non-polar, at codon 177 of the PEX3 protein (p.Thr177Ala). This variant is present in population databases (rs767297580, gnomAD 0.003%). This variant has not been reported in the literature in individuals affected with PEX3-related conditions. ClinVar contains an entry for this variant (Variation ID: 1448573). Algorithms developed to predict the effect of missense changes on protein structure and function (SIFT, PolyPhen-2, Align-GVGD) all suggest that this variant is likely to be tolerated. In summary, the available evidence is currently insufficient to determine the role of this variant in disease. Therefore, it has been classified as a Variant of Uncertain Significance.